The following is an entry in ClinVar:

NM_152291.3(MUC7):c.246C>G (p.Pro82=)

Gene: MUC7 (mucin 7, secreted; plus strand). Cytogenetic location: 4q13.3.
Variant type: single nucleotide variant.
Coding change: c.246C>G on transcript NM_152291.3 (MANE Select); coding-DNA position 246, C replaced by G.
Protein change: p.Pro82=; no amino-acid change (proline 82 retained).
Molecular consequence: synonymous variant.
Genome position (GRCh38, 1-based): chr4:70,480,990, C>G. VCF-style: chr4-70480990-C-G. GRCh37 (hg19) VCF-style: chr4-71346707-C-G.
Other names: c.246C>G, p.Pro82= (NM_001145006.2, NM_001145007.2).
Identifiers: ClinVar variation 2654796 (VCV002654796.24), dbSNP rs150249915, ClinGen allele CA2950695.

ClinVar aggregate classification (germline): Likely benign (1 of 4 stars; one submission).

Allele frequency attached by ClinVar (database versions not stated): ExAC 0.00054; ESP Exome Variant Server 0.00115; gnomAD exomes 0.00125.
gnomAD v4.1: 1,927 of 1,613,962 alleles (0.12%); highest among the groups gnomAD compares: Non-Finnish European, 0.15%; 1 homozygote.

Submission:

CeGaT Center for Human Genetics Tuebingen
Classification: Likely benign. Last evaluated: 2022-08-01. Review status: criteria provided, single submitter. Criteria: CeGaT Center For Human Genetics Tuebingen Variant Classification Criteria Version 2. Collection method: clinical testing. Allele origin: germline. Affected: yes. Observed: 1 variant allele.
Comment: MUC7: BP4, BP7